The following is an entry in ClinVar:

ClinVar aggregate classification (germline): Uncertain significance (1 of 4 stars; one submission).

Submission:

Labcorp Genetics (formerly Invitae), Labcorp
Classification: Uncertain significance. Last evaluated: 2024-10-29. Review status: criteria provided, single submitter. Criteria: Invitae Variant Classification Sherloc (09022015). Collection method: clinical testing. Allele origin: germline.
Comment: This sequence change replaces serine, which is neutral and polar, with arginine, which is basic and polar, at codon 740 of the FLNB protein (p.Ser740Arg). This variant is not present in population databases (gnomAD no frequency). This variant has not been reported in the literature in individuals affected with FLNB-related conditions. ClinVar contains an entry for this variant (Variation ID: 1450072). Invitae Evidence Modeling of protein sequence and biophysical properties (such as structural, functional, and spatial information, amino acid conservation, physicochemical variation, residue mobility, and thermodynamic stability) indicates that this missense variant is not expected to disrupt FLNB protein function with a negative predictive value of 95%. In summary, the available evidence is currently insufficient to determine the role of this variant in disease. Therefore, it has been classified as a Variant of Uncertain Significance.

NM_001457.4(FLNB):c.2220C>A (p.Ser740Arg)

Gene: FLNB (filamin B; plus strand). Cytogenetic location: 3p14.3.
Variant type: single nucleotide variant.
Coding change: c.2220C>A on transcript NM_001457.4 (MANE Select); coding-DNA position 2220, C replaced by A.
Protein change: p.Ser740Arg; replaces serine 740 with arginine.
Molecular consequence: missense variant.
Genome position (GRCh38, 1-based): chr3:58,109,596, C>A. VCF-style: chr3-58109596-C-A. GRCh37 (hg19) VCF-style: chr3-58095323-C-A.
Other names: c.2220C>A, p.Ser740Arg (NM_001164317.2, NM_001164318.2, NM_001164319.2); short protein forms S740R.
Identifiers: ClinVar variation 1450072 (VCV001450072.6), dbSNP rs2107119497, ClinGen allele CA353343309.
Genomic context (GRCh38, chr3:58,109,596, plus strand): 5'-GTGGAGGAGAACTTGATGACCTTCTCCATGTCTTCTCTAGGTCAACATCGGGCAAGGTAG[C>A]CATCCTCAGAAGGTCAAAGTGTTTGGGCCAGGTGTGGAGAGAAGTGGTCTGAAGGCAAAT-3'
Protein context (NP_001448.2, residues 730-750): SPYRVNIGQG[Ser740Arg]HPQKVKVFGP